The following is an entry in ClinVar:

NM_000195.5(HPS1):c.31G>A (p.Ala11Thr)

Gene: HPS1 (HPS1 biogenesis of lysosomal organelles complex 3 subunit 1; minus strand). Cytogenetic location: 10q24.2.
Variant type: single nucleotide variant.
Coding change: c.31G>A on transcript NM_000195.5 (MANE Select); coding-DNA position 31, G replaced by A.
Protein change: p.Ala11Thr; replaces alanine 11 with threonine.
Molecular consequence: missense variant. On other transcripts: 5 prime UTR variant (6).
Genome position (GRCh38, 1-based): chr10:98,443,210, C>T on the plus strand (G>A on the coding strand, the complement: HPS1 is on the minus strand). VCF-style: chr10-98443210-C-T. GRCh37 (hg19) VCF-style: chr10-100202967-C-T.
Other names: c.-886G>A (NM_001311345.2); c.31G>A, p.Ala11Thr (NM_001322476.2, NM_001322477.2, NM_001322478.2 and 8 more transcripts); c.-196G>A (NM_001322483.2, NM_001322484.2, NM_001322485.2); c.-985G>A (NM_001322487.2); c.-743G>A (NM_001322489.2); short protein forms A11T.
Identifiers: ClinVar variation 991843 (VCV000991843.6), dbSNP rs770719820, ClinGen allele CA5639529.
Genomic context (GRCh38, chr10:98,443,210, plus strand): 5'-CGAACTTCAGCCGGAGACTCTCTTCAAACTCCTGATCTGTCCAGTAGAAGAGGACCTCTG[C>T]GCCCTCAGTGGCCACCAAGACGCACTTCATCTGCCAGGGAAAGGCAAGGTCAAGGTCAGC-3'
Protein context (NP_000186.2, residues 1-21): MKCVLVATEG[Ala11Thr]EVLFYWTDQE

ClinVar aggregate classification (germline): Uncertain significance. Review status: criteria provided, multiple submitters, no conflicts (2 of 4 stars). 3 submissions from 3 submitters: Uncertain significance (2). 1 of the submissions does not count toward it. Last evaluated 2024-12-18.

Conditions:
Hermansky-Pudlak syndrome (HPS). Also called: ALBINISM WITH HEMORRHAGIC DIATHESIS AND PIGMENTED RETICULOENDOTHELIAL CELLS. Identifiers: Orphanet 79430, MedGen C0079504, MONDO:0019312.
Hermansky-Pudlak syndrome 1 (HPS1). Also called: DELTA STORAGE POOL DISEASE. Identifiers: Orphanet 231500, Orphanet 79430, MedGen C2931875, MONDO:0008748, OMIM 203300.

Allele frequency attached by ClinVar (database versions not stated): gnomAD 0.00001; gnomAD exomes 0.00001; ExAC 0.00002; TOPMed 0.00002.
gnomAD v4.1: 20 of 1,613,890 alleles (0.0012%); highest among the groups gnomAD compares: Non-Finnish European, 0.0015%; no homozygotes.

Submissions (3):

Labcorp Genetics (formerly Invitae), Labcorp
Classification: Uncertain significance. Last evaluated: 2024-12-18. Review status: criteria provided, single submitter. Criteria: Invitae Variant Classification Sherloc (09022015). Collection method: clinical testing. Allele origin: germline.
Comment: This sequence change replaces alanine, which is neutral and non-polar, with threonine, which is neutral and polar, at codon 11 of the HPS1 protein (p.Ala11Thr). This variant is present in population databases (rs770719820, gnomAD 0.004%). This variant has not been reported in the literature in individuals affected with HPS1-related conditions. ClinVar contains an entry for this variant (Variation ID: 991843). Invitae Evidence Modeling of protein sequence and biophysical properties (such as structural, functional, and spatial information, amino acid conservation, physicochemical variation, residue mobility, and thermodynamic stability) indicates that this missense variant is not expected to disrupt HPS1 protein function with a negative predictive value of 95%. In summary, the available evidence is currently insufficient to determine the role of this variant in disease. Therefore, it has been classified as a Variant of Uncertain Significance.

Fulgent Genetics
Classification: Uncertain significance for Hermansky-Pudlak syndrome 1. Last evaluated: 2021-12-23. Review status: criteria provided, single submitter. Criteria: ACMG Guidelines, 2015. Collection method: clinical testing. Allele origin: unknown.

Natera, Inc.
Classification: Uncertain significance for Hermansky-Pudlak syndrome. Last evaluated: 2020-08-28. Review status: no assertion criteria provided. Collection method: clinical testing. Allele origin: germline. Not counted in ClinVar's aggregate classification.